The following is an entry in ClinVar:

NM_006005.3(WFS1):c.1966G>A (p.Gly656Ser)

Gene: WFS1 (wolframin ER transmembrane glycoprotein; plus strand). Cytogenetic location: 4p16.1.
Variant type: single nucleotide variant.
Coding change: c.1966G>A on transcript NM_006005.3 (MANE Select); coding-DNA position 1966, G replaced by A.
Protein change: p.Gly656Ser; replaces glycine 656 with serine.
Molecular consequence: missense variant.
Genome position (GRCh38, 1-based): chr4:6,301,761, G>A. VCF-style: chr4-6301761-G-A. GRCh37 (hg19) VCF-style: chr4-6303488-G-A.
Other names: c.1966G>A, p.Gly656Ser (NM_001145853.1); short protein forms G656S.
Identifiers: ClinVar variation 1014101 (VCV001014101.9), dbSNP rs751991354, ClinGen allele CA2839559.

ClinVar aggregate classification (germline): Uncertain significance. Review status: criteria provided, multiple submitters, no conflicts (2 of 4 stars). 2 submissions from 2 submitters: Uncertain significance (2). Last evaluated 2025-04-22.

Allele frequency attached by ClinVar (database versions not stated): ExAC 0.00002; gnomAD 0.00003 and 0.00004; gnomAD exomes 0.00003; TOPMed 0.00003.

Submissions (2):

Labcorp Genetics (formerly Invitae), Labcorp
Classification: Uncertain significance. Last evaluated: 2025-04-22. Review status: criteria provided, single submitter. Criteria: Invitae Variant Classification Sherloc (09022015). Collection method: clinical testing. Allele origin: germline.
Comment: This sequence change replaces glycine, which is neutral and non-polar, with serine, which is neutral and polar, at codon 656 of the WFS1 protein (p.Gly656Ser). This variant is present in population databases (rs751991354, gnomAD 0.009%). This variant has not been reported in the literature in individuals affected with WFS1-related conditions. ClinVar contains an entry for this variant (Variation ID: 1014101). Invitae Evidence Modeling of protein sequence and biophysical properties (such as structural, functional, and spatial information, amino acid conservation, physicochemical variation, residue mobility, and thermodynamic stability) has been performed for this missense variant. However, the output from this modeling did not meet the statistical confidence thresholds required to predict the impact of this variant on WFS1 protein function. In summary, the available evidence is currently insufficient to determine the role of this variant in disease. Therefore, it has been classified as a Variant of Uncertain Significance.

GeneDx
Classification: Uncertain significance. Last evaluated: 2024-08-21. Review status: criteria provided, single submitter. Criteria: GeneDx Variant Classification Process June 2021. Collection method: clinical testing. Allele origin: germline. Affected: yes.
Comment: In silico analysis indicates that this missense variant does not alter protein structure/function; Has not been previously published as pathogenic or benign to our knowledge